The following is an entry in ClinVar:

ClinVar aggregate classification (germline): Uncertain significance. Review status: criteria provided, multiple submitters, no conflicts (2 of 4 stars). 2 submissions from 2 submitters: Uncertain significance (2). Last evaluated 2025-03-22.

Conditions:
Cardiovascular phenotype. Identifiers: MedGen CN230736.
Danon disease. Also called: PSEUDOGLYCOGENOSIS II; GSD IIb; LYSOSOMAL GLYCOGEN STORAGE DISEASE WITHOUT ACID MALTASE DEFICIENCY; ANTOPOL DISEASE; Glycogen Storage Disease Type IIb. Identifiers: Orphanet 34587, MedGen C0878677, MONDO:0010281, OMIM 300257.

Submissions (2):

Labcorp Genetics (formerly Invitae), Labcorp
Classification: Uncertain significance for Danon disease. Last evaluated: 2025-03-22. Review status: criteria provided, single submitter. Criteria: Invitae Variant Classification Sherloc (09022015). Collection method: clinical testing. Allele origin: germline.
Comment: This sequence change replaces proline, which is neutral and non-polar, with leucine, which is neutral and non-polar, at codon 206 of the LAMP2 protein (p.Pro206Leu). This variant is not present in population databases (gnomAD no frequency). This variant has not been reported in the literature in individuals affected with LAMP2-related conditions. ClinVar contains an entry for this variant (Variation ID: 643808). Invitae Evidence Modeling of protein sequence and biophysical properties (such as structural, functional, and spatial information, amino acid conservation, physicochemical variation, residue mobility, and thermodynamic stability) indicates that this missense variant is expected to disrupt LAMP2 protein function with a positive predictive value of 80%. In summary, the available evidence is currently insufficient to determine the role of this variant in disease. Therefore, it has been classified as a Variant of Uncertain Significance.

Ambry Genetics
Classification: Uncertain significance for Cardiovascular phenotype. Last evaluated: 2020-03-18. Review status: criteria provided, single submitter. Criteria: Ambry Variant Classification Scheme 2023. Collection method: clinical testing. Allele origin: germline.
Comment: The p.P206L variant (also known as c.617C>T), located in coding exon 5 of the LAMP2 gene, results from a C to T substitution at nucleotide position 617. The proline at codon 206 is replaced by leucine, an amino acid with similar properties. This amino acid position is well conserved in available vertebrate species; however, leucine is the reference amino acid in other vertebrate species. In addition, this alteration is predicted to be tolerated by in silico analysis. Since supporting evidence is limited at this time, the clinical significance of this alteration remains unclear.

NM_002294.3(LAMP2):c.617C>T (p.Pro206Leu)

Gene: LAMP2 (lysosome associated membrane protein 2; minus strand). Cytogenetic location: Xq24.
Variant type: single nucleotide variant.
Coding change: c.617C>T on transcript NM_002294.3 (MANE Select); coding-DNA position 617, C replaced by T.
Protein change: p.Pro206Leu; replaces proline 206 with leucine.
Molecular consequence: missense variant.
Genome position (GRCh38, 1-based): chrX:120,447,965, G>A on the plus strand (C>T on the coding strand, the complement: LAMP2 is on the minus strand). VCF-style: chrX-120447965-G-A. GRCh37 (hg19) VCF-style: chrX-119581820-G-A.
Other names: c.617C>T, p.Pro206Leu (NM_013995.2, NM_001122606.1); short protein forms P206L.
Identifiers: ClinVar variation 643808 (VCV000643808.10), dbSNP rs1602535864, ClinGen allele CA414401576.